The following is an entry in ClinVar:

ClinVar aggregate classification (germline): Uncertain significance (1 of 4 stars; one submission).

Conditions:
Charcot-Marie-Tooth disease type 2. Also called: Charcot-Marie-Tooth type 2. Identifiers: Orphanet 64746, MedGen C0270914, MONDO:0018993.

Submission:

Labcorp Genetics (formerly Invitae), Labcorp
Classification: Uncertain significance for Charcot-Marie-Tooth disease type 2. Last evaluated: 2021-08-04. Review status: criteria provided, single submitter. Criteria: Invitae Variant Classification Sherloc (09022015). Collection method: clinical testing. Allele origin: germline.
Comment: This variant results in a copy number gain of the genomic region encompassing exon(s) 2-4 of the AARS gene. This region includes the initiator codon of the gene. The 5' end of this event is unknown as it extends beyond the assayed region for this gene and therefore may encompass additional genes. The 3' boundary is likely confined to intron 4 of the AARS gene. As the precise location of this event is unknown, it may be in tandem or it may be located elsewhere in the genome. This variant has not been reported in the literature in individuals affected with AARS-related conditions. Experimental studies and prediction algorithms are not available or were not evaluated, and the functional significance of this variant is currently unknown. In summary, the available evidence is currently insufficient to determine the role of this variant in disease. Therefore, it has been classified as a Variant of Uncertain Significance.

NC_000016.9:g.(?_70310389)_(70316666_?)dup

Gene: AARS1 (alanyl-tRNA synthetase 1; minus strand). Cytogenetic location: 16q22.1.
Variant type: Duplication.
Identifiers: ClinVar variation 656829 (VCV000656829.6).